The following is an entry in ClinVar:

ClinVar aggregate classification (germline): Uncertain significance (1 of 4 stars; one submission).

Conditions:
Inborn genetic diseases. Identifiers: MedGen C0950123, MeSH D030342.

Submission:

Ambry Genetics
Classification: Uncertain significance for Inborn genetic diseases. Last evaluated: 2025-05-15. Review status: criteria provided, single submitter. Criteria: Ambry Variant Classification Scheme 2023. Collection method: clinical testing. Allele origin: germline.
Comment: The p.H1272P variant (also known as c.3815A>C), located in coding exon 38 of the FANCA gene, results from an A to C substitution at nucleotide position 3815. The histidine at codon 1272 is replaced by proline, an amino acid with similar properties. This amino acid position is conserved. In addition, this alteration is predicted to be tolerated by in silico analysis. Based on the available evidence, the clinical significance of this variant remains unclear.

NM_000135.4(FANCA):c.3815A>C (p.His1272Pro)

Genes: FANCA (FA complementation group A; minus strand), ZNF276 (zinc finger protein 276; plus strand). Cytogenetic location: 16q24.3.
Variant type: single nucleotide variant.
Coding change: c.3815A>C on transcript NM_000135.4 (MANE Select); coding-DNA position 3815, A replaced by C.
Protein change: p.His1272Pro; replaces histidine 1272 with proline.
Molecular consequence: missense variant. On other transcripts: 3 prime UTR variant (2), non-coding transcript variant (4).
Genome position (GRCh38, 1-based): chr16:89,740,817, T>G on the plus strand (A>C on the coding strand, the complement: FANCA is on the minus strand). VCF-style: chr16-89740817-T-G. GRCh37 (hg19) VCF-style: chr16-89807225-T-G.
Other names: c.3815A>C, p.His1272Pro (NM_001286167.3); c.*2571T>G (NM_001113525.2, NM_152287.4); short protein forms H1272P.
Identifiers: ClinVar variation 4022271 (VCV004022271.1).